The following is an entry in ClinVar:

ClinVar aggregate classification (germline): Likely pathogenic. Review status: criteria provided, multiple submitters, no conflicts (2 of 4 stars). 3 submissions from 3 submitters: Likely pathogenic (2). 1 of the submissions does not count toward it. Last evaluated 2024-01-01.

Conditions:
ZTTK syndrome (ZTTKS). Also called: ZTTK MULTIPLE CONGENITAL ANOMALIES-MENTAL RETARDATION SYNDROME; Zhu-Tokita-Takenouchi-Kim Syndrome. Identifiers: Orphanet 500150, MedGen C4310696, MONDO:0014936, OMIM 617140.
Global developmental delay (DD). Also called: Cognitive delay. Identifiers: MedGen C0557874, HP:0001263. Disease mechanism: loss of function.
Failure to thrive. Also called: Pediatric failure to thrive. Identifiers: MedGen C2315100, HP:0001508.

Submissions (3):

Daryl Scott Lab, Baylor College of Medicine
Classification: Likely pathogenic for ZTTK syndrome. Last evaluated: 2024-01-01. Review status: criteria provided, single submitter. Criteria: ACMG Guidelines, 2015. Collection method: clinical testing. Allele origin: de novo. Affected: yes. Observed: 1 heterozygote.
Comment: PVS1, PS2, PM2

Baylor Genetics
Classification: Likely pathogenic for Global developmental delay; Failure to thrive. Last evaluated: 2016-06-21. Review status: criteria provided, single submitter. Criteria: Submitter's publication. Collection method: clinical testing. Allele origin: de novo. Inheritance: Autosomal dominant inheritance. Affected: yes. Study: SON.

OMIM
Classification: Pathogenic for ZTTK SYNDROME. Last evaluated: 2016-11-02. Review status: no assertion criteria provided. Collection method: literature only. Allele origin: germline. Not counted in ClinVar's aggregate classification.

Literature cited by the submitters: PubMed 27545676 (cited by OMIM).

NM_138927.4(SON):c.3073dup (p.Met1025fs)

Gene: SON (SON DNA and RNA binding protein; plus strand). Cytogenetic location: 21q22.11.
Variant type: Duplication.
Coding change: c.3073dup on transcript NM_138927.4 (MANE Select); coding-DNA position 3073, one base duplicated (A; older notation c.3073dupA).
Protein change: p.Met1025fs; shifts the reading frame from methionine 1025.
Molecular consequence: frameshift variant. On other transcripts: non-coding transcript variant (1), intron variant (1).
Genome position (GRCh38, 1-based): chr21:33,552,304, A duplicated. VCF-style (leftmost placement, unchanged base first): chr21-33552303-G-GA. GRCh37 (hg19) VCF-style: chr21-34924609-G-GA.
Other names: c.3073dup, p.Met1025fs (NM_001291411.2, NM_032195.3); c.245-4852dup (NM_001291412.3); c.3073dupA (NM_138927.4); short protein forms M1025fs.
Identifiers: ClinVar variation 252927 (VCV000252927.3), dbSNP rs886039778, ClinGen allele CA10586131.